The following is an entry in ClinVar:

NM_000040.3(APOC3):c.38C>T (p.Ala13Val)

Gene: APOC3 (apolipoprotein C3; plus strand). Cytogenetic location: 11q23.3.
Variant type: single nucleotide variant.
Coding change: c.38C>T on transcript NM_000040.3 (MANE Select); coding-DNA position 38, C replaced by T.
Protein change: p.Ala13Val; replaces alanine 13 with valine.
Molecular consequence: missense variant.
Genome position (GRCh38, 1-based): chr11:116,830,620, C>T. VCF-style: chr11-116830620-C-T. GRCh37 (hg19) VCF-style: chr11-116701336-C-T.
Other names: short protein forms A13V.
Identifiers: ClinVar variation 4800160 (VCV004800160.1).
Genomic context (GRCh38, chr11:116,830,620, plus strand): 5'-TTCCTTGCAGGAACAGAGGTGCCATGCAGCCCCGGGTACTCCTTGTTGTTGCCCTCCTGG[C>T]GCTCCTGGCCTCTGCCCGTAAGCACTTGGTGGGACTGGGCTGGGGGCAGGGTGGAGGCAA-3'
Protein context (NP_000031.1, residues 3-23): PRVLLVVALL[Ala13Val]LLASARASEA

ClinVar aggregate classification (germline): Uncertain significance (1 of 4 stars; one submission).

gnomAD v4.1: 43 of 1,613,822 alleles (0.0027%); highest among the groups gnomAD compares: Middle Eastern, 0.033%; no homozygotes.

Submission:

Labcorp Genetics (formerly Invitae), Labcorp
Classification: Uncertain significance. Last evaluated: 2025-11-27. Review status: criteria provided, single submitter. Criteria: Invitae Variant Classification Sherloc (09022015). Collection method: clinical testing. Allele origin: germline.
Comment: This sequence change replaces alanine, which is neutral and non-polar, with valine, which is neutral and non-polar, at codon 13 of the APOC3 protein (p.Ala13Val). This variant is present in population databases (rs772815802, gnomAD 0.009%). This missense change has been observed in individual(s) with clinical features of APOC3-related conditions (PMID: 36325899). An algorithm developed to predict the effect of missense changes on protein structure and function outputs the following: PolyPhen-2: "Not Available". The valine amino acid residue is found in multiple mammalian species, which suggests that this missense change does not adversely affect protein function. In summary, the available evidence is currently insufficient to determine the role of this variant in disease. Therefore, it has been classified as a Variant of Uncertain Significance.

Literature cited by the submitters: PubMed 36325899.